The following is an entry in ClinVar:

ClinVar aggregate classification (germline): Benign. Review status: criteria provided, multiple submitters, no conflicts (2 of 4 stars). 6 submissions from 6 submitters: Benign (5). 1 of the submissions does not count toward it. Last evaluated 2021-12-08.

Conditions:
Hereditary spastic paraplegia 49 (HSAN9). Also called: Spastic paraplegia 49, autosomal recessive; NEUROPATHY, HEREDITARY SENSORY AND AUTONOMIC, TYPE IX, WITH DEVELOPMENTAL DELAY; TECPR2-Related Hereditary Sensory and Autonomic Neuropathy with Intellectual Disability. Identifiers: Orphanet 320385, MedGen C5190860, MONDO:0014016, OMIM 615031.
Hereditary spastic paraplegia. Also called: Familial spastic paraparesis. Identifiers: Orphanet 685, MedGen C0037773, MONDO:0019064. Disease mechanism: loss of function.

Allele frequency attached by ClinVar (database versions not stated): TOPMed 0.02368; gnomAD 0.02432 and 0.02640; ESP Exome Variant Server 0.02530; 1000 Genomes Project 30x 0.03139; 1000 Genomes Project 0.03255; gnomAD exomes 0.03410 and 0.03426; ExAC 0.03639.
gnomAD v4.1: 53,775 of 1,613,746 alleles (3.3%); highest among the groups gnomAD compares: South Asian, 9.8%; 1,257 homozygotes.

Submissions (6):

Genome Diagnostics Laboratory, The Hospital for Sick Children
Classification: Benign for Hereditary spastic paraplegia. Last evaluated: 2021-12-08. Review status: criteria provided, single submitter. Criteria: ACMG Guidelines, 2015. Collection method: clinical testing. Allele origin: germline. Affected: yes.

Genome-Nilou Lab
Classification: Benign for Hereditary spastic paraplegia 49. Last evaluated: 2021-07-10. Review status: criteria provided, single submitter. Criteria: ACMG Guidelines, 2015. Collection method: clinical testing. Allele origin: germline. Affected: no.

Mayo Clinic Laboratories, Mayo Clinic
Classification: Benign. Last evaluated: 2019-08-09. Review status: criteria provided, single submitter. Criteria: ACMG Guidelines, 2015. Collection method: clinical testing. Allele origin: germline. Observed: 56 variant alleles.

GeneDx
Classification: Benign. Last evaluated: 2016-08-02. Review status: criteria provided, single submitter. Criteria: GeneDx Variant Classification (06012015). Collection method: clinical testing. Allele origin: germline. Affected: yes.
Comment: This variant is considered likely benign or benign based on one or more of the following criteria: it is a conservative change, it occurs at a poorly conserved position in the protein, it is predicted to be benign by multiple in silico algorithms, and/or has population frequency not consistent with disease.

Breakthrough Genomics
Classification: Benign. Review status: criteria provided, single submitter. Criteria: ACMG Guidelines, 2015. Collection method: not provided. Allele origin: germline. Inheritance: Autosomal recessive inheritance. Affected: yes.

Natera, Inc.
Classification: Benign for Autosomal recessive spastic paraplegia type 49. Last evaluated: 2020-09-16. Review status: no assertion criteria provided. Collection method: clinical testing. Allele origin: germline. Not counted in ClinVar's aggregate classification.

NM_014844.5(TECPR2):c.-2C>T

Gene: TECPR2 (tectonin beta-propeller repeat containing 2; plus strand). Cytogenetic location: 14q32.31.
Variant type: single nucleotide variant.
Coding change: c.-2C>T on transcript NM_014844.5 (MANE Select); 2 bases upstream of the start codon, C replaced by T.
Molecular consequence: 5 prime UTR variant.
Genome position (GRCh38, 1-based): chr14:102,376,720, C>T. VCF-style: chr14-102376720-C-T. GRCh37 (hg19) VCF-style: chr14-102843057-C-T.
Other names: c.-2C>T (NM_014844.4, NM_001172631.3).
Identifiers: ClinVar variation 380941 (VCV000380941.10), dbSNP rs17100874, ClinGen allele CA7357310.